The following is an entry in ClinVar:

NM_000032.5(ALAS2):c.606G>A (p.Met202Ile)

Gene: ALAS2 (5'-aminolevulinate synthase 2; minus strand). Cytogenetic location: Xp11.21.
Variant type: single nucleotide variant.
Coding change: c.606G>A on transcript NM_000032.5 (MANE Select); coding-DNA position 606, G replaced by A.
Protein change: p.Met202Ile; replaces methionine 202 with isoleucine.
Molecular consequence: missense variant.
Genome position (GRCh38, 1-based): chrX:55,021,084, C>T on the plus strand (G>A on the coding strand, the complement: ALAS2 is on the minus strand). VCF-style: chrX-55021084-C-T. GRCh37 (hg19) VCF-style: chrX-55047517-C-T.
Other names: p.M202I:ATG>ATA; c.495G>A, p.Met165Ile (NM_001037967.4); c.567G>A, p.Met189Ile (NM_001037968.4); c.606G>A, p.Met202Ile (LRG_1163t1); short protein forms M202I, M189I, M165I.
Identifiers: ClinVar variation 214095 (VCV000214095.3), dbSNP rs863223901, ClinGen allele CA322955.

ClinVar aggregate classification (germline): Pathogenic (1 of 4 stars; one submission).

Submission:

GeneDx
Classification: Pathogenic. Last evaluated: 2023-10-13. Review status: criteria provided, single submitter. Criteria: GeneDx Variant Classification Process June 2021. Collection method: clinical testing. Allele origin: germline. Affected: yes.
Comment: Published in vitro functional studies demonstrate significant reduction in enzymatic activity compared to wildtype (Liu et al., 2013); Not observed at significant frequency in large population cohorts (gnomAD); In silico analysis supports that this missense variant has a deleterious effect on protein structure/function; This variant is associated with the following publications: (PMID: 31495138, 32605921, 31642437, 32297424, 35093382, 24323989, 30019527)